The following is an entry in ClinVar:

NM_001197104.2(KMT2A):c.934A>T (p.Ile312Leu)

Gene: KMT2A (lysine methyltransferase 2A; plus strand). Cytogenetic location: 11q23.3.
Variant type: single nucleotide variant.
Coding change: c.934A>T on transcript NM_001197104.2 (MANE Select); coding-DNA position 934, A replaced by T.
Protein change: p.Ile312Leu; replaces isoleucine 312 with leucine.
Molecular consequence: missense variant.
Genome position (GRCh38, 1-based): chr11:118,472,093, A>T. VCF-style: chr11-118472093-A-T. GRCh37 (hg19) VCF-style: chr11-118342808-A-T.
Other names: c.1033A>T, p.Ile345Leu (NM_001412597.1); c.934A>T, p.Ile312Leu (NM_005933.4); short protein forms I345L, I312L.
Identifiers: ClinVar variation 2844798 (VCV002844798.3), dbSNP rs2496794418, ClinGen allele CA382808511.
Genomic context (GRCh38, chr11:118,472,093, plus strand): 5'-ATAGGAAGGAAGGGGGTACAAATTGTACGACGGAGAGGAAGGCCTCCATCAACAGAAAGG[A>T]TAAAGACCCCTTCGGGTCTCCTCATTAATTCTGAACTGGAAAAGCCCCAGAAAGTCCGGA-3'
Protein context (NP_001184033.1, residues 302-322): RRGRPPSTER[Ile312Leu]KTPSGLLINS

ClinVar aggregate classification (germline): Uncertain significance (1 of 4 stars; one submission).

Submission:

Labcorp Genetics (formerly Invitae), Labcorp
Classification: Uncertain significance. Last evaluated: 2023-03-10. Review status: criteria provided, single submitter. Criteria: Invitae Variant Classification Sherloc (09022015). Collection method: clinical testing. Allele origin: germline.
Comment: Advanced modeling of protein sequence and biophysical properties (such as structural, functional, and spatial information, amino acid conservation, physicochemical variation, residue mobility, and thermodynamic stability) performed at Invitae indicates that this missense variant is not expected to disrupt KMT2A protein function. In summary, the available evidence is currently insufficient to determine the role of this variant in disease. Therefore, it has been classified as a Variant of Uncertain Significance. This variant has not been reported in the literature in individuals affected with KMT2A-related conditions. This variant is not present in population databases (gnomAD no frequency). This sequence change replaces isoleucine, which is neutral and non-polar, with leucine, which is neutral and non-polar, at codon 312 of the KMT2A protein (p.Ile312Leu).